The following is an entry in ClinVar:

ClinVar aggregate classification (germline): Benign/Likely benign. Review status: criteria provided, multiple submitters, no conflicts (2 of 4 stars). 4 submissions from 4 submitters: Benign (1); Likely benign (2). 1 of the submissions does not count toward it. Last evaluated 2025-12-24.

Conditions:
TOE1-related disorder. Also called: TOE1-related condition.

Allele frequency attached by ClinVar (database versions not stated): ESP Exome Variant Server 0.00031; gnomAD exomes 0.00041 and 0.00066; TOPMed 0.00045; gnomAD 0.00052 and 0.00050; ExAC 0.00047; 1000 Genomes Project 30x 0.00016; 1000 Genomes Project 0.00020.
gnomAD v4.1: 685 of 1,614,192 alleles (0.042%); highest among the groups gnomAD compares: Middle Eastern, 0.066%; 1 homozygote.

Submissions (5):

Labcorp Genetics (formerly Invitae), Labcorp
Classification: Benign. Last evaluated: 2025-12-24. Review status: criteria provided, single submitter. Criteria: Invitae Variant Classification Sherloc (09022015). Collection method: clinical testing. Allele origin: germline.

Blueprint Genetics
Classification: Likely benign. Last evaluated: 2024-10-23. Review status: criteria provided, single submitter. Criteria: ACMG Guidelines, 2015. Collection method: clinical testing. Allele origin: germline.

Genetic Services Laboratory, University of Chicago
Classification: Likely benign. Last evaluated: 2020-11-17. Review status: criteria provided, single submitter. Criteria: ACMG Guidelines, 2015. Collection method: clinical testing. Allele origin: germline. Affected: no.

PreventionGenetics, part of Exact Sciences
Classification: Benign for TOE1-related condition. Last evaluated: 2024-08-01. Review status: no assertion criteria provided. Collection method: clinical testing. Allele origin: germline. Not counted in ClinVar's aggregate classification.
Comment: This variant is classified as benign based on ACMG/AMP sequence variant interpretation guidelines (Richards et al. 2015 PMID: 25741868, with internal and published modifications).

Dr. Peter K. Rogan Lab, Western University
No classification provided (evidence only). Condition: Lymphoma. Review status: no classification provided. Collection method: in vitro. Allele origin: not applicable. Functional consequence: retained intron. Not counted in ClinVar's aggregate classification.

NM_025077.4(TOE1):c.196-3C>T

Genes: MUTYH (mutY DNA glycosylase; minus strand), TOE1 (target of EGR1, exonuclease; plus strand). Cytogenetic location: 1p34.1.
Variant type: single nucleotide variant.
Coding change: c.196-3C>T on transcript NM_025077.4 (MANE Select); 3 bases into the intron before coding-DNA position 196, C replaced by T.
Molecular consequence: intron variant.
Genome position (GRCh38, 1-based): chr1:45,341,300, C>T. VCF-style: chr1-45341300-C-T. GRCh37 (hg19) VCF-style: chr1-45806972-C-T.
Identifiers: ClinVar variation 764612 (VCV000764612.16), dbSNP rs200821819, ClinGen allele CA826477.